The following is an entry in ClinVar:

ClinVar aggregate classification (germline): Uncertain significance (1 of 4 stars; one submission).

Submission:

Labcorp Genetics (formerly Invitae), Labcorp
Classification: Uncertain significance. Last evaluated: 2021-03-22. Review status: criteria provided, single submitter. Criteria: Invitae Variant Classification Sherloc (09022015). Collection method: clinical testing. Allele origin: germline.
Comment: Algorithms developed to predict the effect of missense changes on protein structure and function are either unavailable or do not agree on the potential impact of this missense change (SIFT: "Deleterious"; PolyPhen-2: "Possibly Damaging"; Align-GVGD: "Class C0"). In summary, the available evidence is currently insufficient to determine the role of this variant in disease. Therefore, it has been classified as a Variant of Uncertain Significance. This variant has not been reported in the literature in individuals with IFT81-related conditions. This sequence change replaces glutamic acid with valine at codon 671 of the IFT81 protein (p.Glu671Val). The glutamic acid residue is moderately conserved and there is a moderate physicochemical difference between glutamic acid and valine. This variant is not present in population databases (ExAC no frequency).

NM_014055.4(IFT81):c.2012A>T (p.Glu671Val)

Gene: IFT81 (intraflagellar transport 81; plus strand). Cytogenetic location: 12q24.11.
Variant type: single nucleotide variant.
Coding change: c.2012A>T on transcript NM_014055.4 (MANE Select); coding-DNA position 2012, A replaced by T.
Protein change: p.Glu671Val; replaces glutamic acid 671 with valine.
Molecular consequence: missense variant. On other transcripts: non-coding transcript variant (4).
Genome position (GRCh38, 1-based): chr12:110,218,207, A>T. VCF-style: chr12-110218207-A-T. GRCh37 (hg19) VCF-style: chr12-110656012-A-T.
Other names: c.2012A>T, p.Glu671Val (NM_001143779.2); c.1082A>T, p.Glu361Val (NM_001347947.2, NM_001347948.2); short protein forms E361V, E671V.
Identifiers: ClinVar variation 1468710 (VCV001468710.8), dbSNP rs1870392544, ClinGen allele CA386911319.